The following is an entry in ClinVar:

ClinVar aggregate classification (germline): Benign (0 of 4 stars; one submission).

Conditions:
MIA-related disorder. Also called: MIA-related condition.

Allele frequency attached by ClinVar (database versions not stated): ExAC 0.00074; gnomAD 0.00253; ESP Exome Variant Server 0.00277; 1000 Genomes Project 30x 0.00297; 1000 Genomes Project 0.00300.

Submission:

PreventionGenetics, part of Exact Sciences
Classification: Benign for MIA-related condition. Last evaluated: 2019-10-14. Review status: no assertion criteria provided. Collection method: clinical testing. Allele origin: germline.
Comment: This variant is classified as benign based on ACMG/AMP sequence variant interpretation guidelines (Richards et al. 2015 PMID: 25741868, with internal and published modifications).

NM_006533.4(MIA):c.110C>T (p.Ala37Val)

Genes: MIA (MIA SH3 domain containing; plus strand), MIA-RAB4B (MIA-RAB4B readthrough (NMD candidate); plus strand). Cytogenetic location: 19q13.2.
Variant type: single nucleotide variant.
Coding change: c.110C>T on transcript NM_006533.4 (MANE Select); coding-DNA position 110, C replaced by T.
Protein change: p.Ala37Val; replaces alanine 37 with valine.
Molecular consequence: missense variant. On other transcripts: non-coding transcript variant (1).
Genome position (GRCh38, 1-based): chr19:40,775,652, C>T. VCF-style: chr19-40775652-C-T. GRCh37 (hg19) VCF-style: chr19-41281557-C-T.
Other names: c.110C>T, p.Ala37Val (NM_001202553.2); short protein forms A37V.
Identifiers: ClinVar variation 3038439 (VCV003038439.2), dbSNP rs151087599, ClinGen allele CA9451720.